The following is an entry in ClinVar:

NM_201384.3(PLEC):c.6241G>C (p.Gly2081Arg)

Gene: PLEC (plectin; minus strand). Cytogenetic location: 8q24.3.
Variant type: single nucleotide variant.
Coding change: c.6241G>C on transcript NM_201384.3 (MANE Select); coding-DNA position 6241, G replaced by C.
Protein change: p.Gly2081Arg; replaces glycine 2081 with arginine.
Molecular consequence: missense variant.
Genome position (GRCh38, 1-based): chr8:143,923,688, C>G on the plus strand (G>C on the coding strand, the complement: PLEC is on the minus strand). VCF-style: chr8-143923688-C-G. GRCh37 (hg19) VCF-style: chr8-144997856-C-G.
Other names: c.6322G>C, p.Gly2108Arg (NM_000445.5); c.6199G>C, p.Gly2067Arg (NM_201378.4); c.6175G>C, p.Gly2059Arg (NM_201379.3); c.6652G>C, p.Gly2218Arg (NM_201380.4); c.6145G>C, p.Gly2049Arg (NM_201381.3); c.6241G>C, p.Gly2081Arg (NM_201382.4); c.6253G>C, p.Gly2085Arg (NM_201383.3); short protein forms G2059R, G2085R, G2081R, G2108R, G2067R, G2049R, G2218R.
Identifiers: ClinVar variation 2137141 (VCV002137141.4), dbSNP rs782450868, ClinGen allele CA372537690.

ClinVar aggregate classification (germline): Uncertain significance (1 of 4 stars; one submission).

Conditions:
Epidermolysis bullosa simplex with nail dystrophy (EBS5D). Identifiers: MedGen C4225309, MONDO:0014661, OMIM 616487.
Epidermolysis bullosa simplex 5C, with pyloric atresia (EBS5C). Also called: Epidermolysis bullosa simplex with pyloric atresia; PLEC-Related Epidermolysis Bullosa with Pyloric Atresia; PLEC1-Related Epidermolysis Bullosa with Pyloric Atresia. Identifiers: Orphanet 158684, MedGen C2677349, MONDO:0012807, OMIM 612138.
Autosomal recessive limb-girdle muscular dystrophy type 2Q (LGMDR17). Also called: MUSCULAR DYSTROPHY, LIMB-GIRDLE, AUTOSOMAL RECESSIVE 17. Identifiers: Orphanet 254361, MedGen C3150989, MONDO:0013390, OMIM 613723.
Epidermolysis bullosa simplex 5B, with muscular dystrophy (EBS5B). Also called: Epidermolysis bullosa simplex with muscular dystrophy; EPIDERMOLYSIS BULLOSA SIMPLEX AND LIMB-GIRDLE MUSCULAR DYSTROPHY. Identifiers: Orphanet 257, MedGen C2931072, MONDO:0009181, OMIM 226670.
Epidermolysis bullosa simplex, Ogna type (EBS5A). Also called: Pidermolysis bullosa simplex 5A, Ogna type; EPIDERMOLYSIS BULLOSA SIMPLEX 5A, OGNA TYPE. Identifiers: Orphanet 79401, MedGen C0432317, MONDO:0007555, OMIM 131950.

Submission:

Labcorp Genetics (formerly Invitae), Labcorp
Classification: Uncertain significance for Autosomal recessive limb-girdle muscular dystrophy type 2Q; Epidermolysis bullosa simplex, Ogna type; Epidermolysis bullosa simplex with nail dystrophy; Epidermolysis bullosa simplex 5C, with pyloric atresia; Epidermolysis bullosa simplex 5B, with muscular dystrophy. Last evaluated: 2022-06-09. Review status: criteria provided, single submitter. Criteria: Invitae Variant Classification Sherloc (09022015). Collection method: clinical testing. Allele origin: germline.
Comment: In summary, the available evidence is currently insufficient to determine the role of this variant in disease. Therefore, it has been classified as a Variant of Uncertain Significance. Algorithms developed to predict the effect of missense changes on protein structure and function (SIFT, PolyPhen-2, Align-GVGD) all suggest that this variant is likely to be tolerated. This variant has not been reported in the literature in individuals affected with PLEC-related conditions. This variant is not present in population databases (gnomAD no frequency). This sequence change replaces glycine, which is neutral and non-polar, with arginine, which is basic and polar, at codon 2108 of the PLEC protein (p.Gly2108Arg).